The following is an entry in ClinVar:

ClinVar aggregate classification (germline): Conflicting classifications of pathogenicity. Review status: criteria provided, conflicting classifications (1 of 4 stars). 3 submissions from 3 submitters: Uncertain significance (1); Likely benign (1). 1 of the submissions does not count toward it. Last evaluated 2024-11-27.

Conditions:
Jeune thoracic dystrophy. Also called: Jeune syndrome; Infantile thoracic dystrophy; Thoracic pelvic phalangeal dystrophy; Jeune's syndrome; Chondroectodermal dysplasia-like syndrome; Short-rib thoracic dysplasia. Identifiers: Orphanet 474, MedGen C0265275, MONDO:0018770.
Nephronophthisis. Also called: Juvenile Nephronophthisis. Identifiers: Orphanet 655, MedGen C0687120, MONDO:0019005, HP:0000090.
TTC21B-related disorder. Also called: TTC21B-related condition; TTC21B-related disorders.

Allele frequency attached by ClinVar (database versions not stated): gnomAD 0.00001; ExAC 0.00002; gnomAD exomes 0.00004; TOPMed 0.00004.
gnomAD v4.1: 13 of 1,613,744 alleles (0.00081%); highest among the groups gnomAD compares: Admixed American, 0.022%; no homozygotes.

Submissions (3):

Labcorp Genetics (formerly Invitae), Labcorp
Classification: Likely benign for Jeune thoracic dystrophy; Nephronophthisis. Last evaluated: 2024-11-27. Review status: criteria provided, single submitter. Criteria: Invitae Variant Classification Sherloc (09022015). Collection method: clinical testing. Allele origin: germline.

GeneDx
Classification: Uncertain significance. Last evaluated: 2019-07-24. Review status: criteria provided, single submitter. Criteria: GeneDx Variant Classification Process June 2021. Collection method: clinical testing. Allele origin: germline. Affected: yes.
Comment: Has not been previously published as pathogenic or benign to our knowledge; In-silico analysis, which includes splice predictors and evolutionary conservation, is inconclusive as to whether the variant alters gene splicing. In the absence of RNA/functional studies, the actual effect of this sequence change is unknown.

PreventionGenetics, part of Exact Sciences
Classification: Likely benign for TTC21B-related condition. Last evaluated: 2024-08-06. Review status: no assertion criteria provided. Collection method: clinical testing. Allele origin: germline. Not counted in ClinVar's aggregate classification.
Comment: This variant is classified as likely benign based on ACMG/AMP sequence variant interpretation guidelines (Richards et al. 2015 PMID: 25741868, with internal and published modifications).

NM_024753.5(TTC21B):c.3144A>G (p.Lys1048=)

Gene: TTC21B (tetratricopeptide repeat domain 21B; minus strand). Cytogenetic location: 2q24.3.
Variant type: single nucleotide variant.
Coding change: c.3144A>G on transcript NM_024753.5 (MANE Select); coding-DNA position 3144, A replaced by G.
Protein change: p.Lys1048=; no amino-acid change (lysine 1048 retained).
Molecular consequence: synonymous variant.
Genome position (GRCh38, 1-based): chr2:165,890,598, T>C on the plus strand (A>G on the coding strand, the complement: TTC21B is on the minus strand). VCF-style: chr2-165890598-T-C. GRCh37 (hg19) VCF-style: chr2-166747108-T-C.
Identifiers: ClinVar variation 1307187 (VCV001307187.10), dbSNP rs762837601, ClinGen allele CA1941573.